The following is an entry in ClinVar:

ClinVar aggregate classification (germline): Uncertain significance (1 of 4 stars; one submission).

gnomAD v4.1: 1 of 1,614,166 alleles (0.000062%); highest among the groups gnomAD compares: Non-Finnish European, 0.000085%; no homozygotes.

Submission:

Labcorp Genetics (formerly Invitae), Labcorp
Classification: Uncertain significance. Last evaluated: 2023-12-11. Review status: criteria provided, single submitter. Criteria: Invitae Variant Classification Sherloc (09022015). Collection method: clinical testing. Allele origin: germline.
Comment: This sequence change replaces asparagine, which is neutral and polar, with aspartic acid, which is acidic and polar, at codon 100 of the RTN4IP1 protein (p.Asn100Asp). This variant is not present in population databases (gnomAD no frequency). This variant has not been reported in the literature in individuals affected with RTN4IP1-related conditions. ClinVar contains an entry for this variant (Variation ID: 1940067). An algorithm developed to predict the effect of missense changes on protein structure and function (PolyPhen-2) suggests that this variant is likely to be disruptive. In summary, the available evidence is currently insufficient to determine the role of this variant in disease. Therefore, it has been classified as a Variant of Uncertain Significance.

NM_032730.5(RTN4IP1):c.298A>G (p.Asn100Asp)

Gene: RTN4IP1 (reticulon 4 interacting protein 1; minus strand). Cytogenetic location: 6q21.
Variant type: single nucleotide variant.
Coding change: c.298A>G on transcript NM_032730.5 (MANE Select); coding-DNA position 298, A replaced by G.
Protein change: p.Asn100Asp; replaces asparagine 100 with aspartic acid.
Molecular consequence: missense variant. On other transcripts: 5 prime UTR variant (1).
Genome position (GRCh38, 1-based): chr6:106,622,946, T>C on the plus strand (A>G on the coding strand, the complement: RTN4IP1 is on the minus strand). VCF-style: chr6-106622946-T-C. GRCh37 (hg19) VCF-style: chr6-107070821-T-C.
Other names: c.-3A>G (NM_001318746.1); short protein forms N100D.
Identifiers: ClinVar variation 1940067 (VCV001940067.5), dbSNP rs2482436876, ClinGen allele CA365166419.
Genomic context (GRCh38, chr6:106,622,946, plus strand): 5'-CCAGAGTCAGAGGAAATTCTTCTCCTTTGATTTTCACGTGTAAAGGATCACGCTTCATAT[T>C]TAAAGCTGTAGCTCCATAACCACCTGTAAAATACAATTTATCTGTTTCCTCCAAATGTAA-3'
Protein context (NP_116119.2, residues 90-110): MRSGYGATAL[Asn100Asp]MKRDPLHVKI